The following is an entry in ClinVar:

NM_001723.7(DST):c.4781A>G (p.Gln1594Arg)

Gene: DST (dystonin; minus strand). Cytogenetic location: 6p12.1.
Variant type: single nucleotide variant.
Coding change: c.4781A>G on transcript NM_001723.7 (MANE Plus Clinical); coding-DNA position 4781, A replaced by G.
Protein change: p.Gln1594Arg; replaces glutamine 1594 with arginine.
Molecular consequence: missense variant. On other transcripts: intron variant (10).
Genome position (GRCh38, 1-based): chr6:56,619,253, T>C on the plus strand (A>G on the coding strand, the complement: DST is on the minus strand). VCF-style: chr6-56619253-T-C. GRCh37 (hg19) VCF-style: chr6-56484051-T-C.
Other names: c.4831-4769A>G (NM_001144769.5); c.4930-4769A>G (NM_001374722.1, NM_001374736.1); c.4957-4769A>G (NM_001374734.1); c.4417-4769A>G (NM_001144770.2); c.4297-4769A>G (NM_001374730.1, NM_001386100.1, NM_183380.4 and 1 more transcripts); c.3319-4769A>G (NM_015548.5); short protein forms Q1594R.
Identifiers: ClinVar variation 1052462 (VCV001052462.9), dbSNP rs2152736521, ClinGen allele CA364568881.

ClinVar aggregate classification (germline): Uncertain significance (1 of 4 stars; one submission).

Conditions:
Hereditary sensory and autonomic neuropathy type 6. Also called: Neuropathy, hereditary sensory and autonomic, type VI; HSAN VI. Identifiers: Orphanet 314381, MedGen C3539003, MONDO:0013839, OMIM 614653.
Epidermolysis bullosa simplex 3, localized or generalized intermediate, with BP230 deficiency (EBS3). Also called: Epidermolysis bullosa simplex due to BP230 deficiency; Epidermolysis bullosa simplex, autosomal recessive 2. Identifiers: Orphanet 412181, MedGen C3809470, MONDO:0014180, OMIM 615425.

gnomAD v4.1: 1 of 1,612,942 alleles (0.000062%); highest among the groups gnomAD compares: Non-Finnish European, 0.000085%; no homozygotes.

Submission:

Labcorp Genetics (formerly Invitae), Labcorp
Classification: Uncertain significance for Epidermolysis bullosa simplex 3, localized or generalized intermediate, with BP230 deficiency; Hereditary sensory and autonomic neuropathy type 6. Last evaluated: 2020-03-03. Review status: criteria provided, single submitter. Criteria: Invitae Variant Classification Sherloc (09022015). Collection method: clinical testing. Allele origin: germline.
Comment: In summary, the available evidence is currently insufficient to determine the role of this variant in disease. Therefore, it has been classified as a Variant of Uncertain Significance. Algorithms developed to predict the effect of missense changes on protein structure and function are either unavailable or do not agree on the potential impact of this missense change (SIFT: "Deleterious"; PolyPhen-2: "Probably Damaging"; Align-GVGD: "Class C0"). This variant has not been reported in the literature in individuals with DST-related conditions. This variant is not present in population databases (ExAC no frequency). This sequence change replaces glutamine with arginine at codon 1594 of the DST protein (p.Gln1594Arg). The glutamine residue is weakly conserved and there is a small physicochemical difference between glutamine and arginine.